The following is an entry in ClinVar:

ClinVar aggregate classification (germline): Likely benign (0 of 4 stars; one submission).

Conditions:
NBAS-related disorder. Also called: NBAS-related condition.

gnomAD v4.1: 1 of 1,613,490 alleles (0.000062%); no homozygotes.

Submission:

PreventionGenetics, part of Exact Sciences
Classification: Likely benign for NBAS-related condition. Last evaluated: 2020-02-17. Review status: no assertion criteria provided. Collection method: clinical testing. Allele origin: germline.
Comment: This variant is classified as likely benign based on ACMG/AMP sequence variant interpretation guidelines (Richards et al. 2015 PMID: 25741868, with internal and published modifications).

NM_015909.4(NBAS):c.18A>G (p.Ser6=)

Genes: NBAS (NBAS subunit of NRZ tethering complex; minus strand), LOC129933155 (ATAC-STARR-seq lymphoblastoid active region 15346; plus strand). Cytogenetic location: 2p24.3.
Variant type: single nucleotide variant.
Coding change: c.18A>G on transcript NM_015909.4 (MANE Select); coding-DNA position 18, A replaced by G.
Protein change: p.Ser6=; no amino-acid change (serine 6 retained).
Molecular consequence: synonymous variant. On other transcripts: non-coding transcript variant (1).
Genome position (GRCh38, 1-based): chr2:15,561,287, T>C on the plus strand (A>G on the coding strand, the complement: NBAS is on the minus strand). VCF-style: chr2-15561287-T-C. GRCh37 (hg19) VCF-style: chr2-15701411-T-C.
Identifiers: ClinVar variation 3034464 (VCV003034464.2), dbSNP rs1424066275, ClinGen allele CA424871993.